The following is an entry in ClinVar:

ClinVar aggregate classification (germline): Uncertain significance. Review status: criteria provided, multiple submitters, no conflicts (2 of 4 stars). 4 submissions from 4 submitters: Uncertain significance (3). 1 of the submissions does not count toward it. Last evaluated 2024-08-14.

Conditions:
Severe early-onset pulmonary alveolar proteinosis due to MARS deficiency. Also called: PULMONARY ALVEOLAR PROTEINOSIS, REUNION ISLAND; Interstitial lung and liver disease. Identifiers: Orphanet 440427, MedGen C4225400, MONDO:0014206, OMIM 615486.
Charcot-Marie-Tooth disease axonal type 2U. Also called: CHARCOT-MARIE-TOOTH NEUROPATHY, TYPE 2U; CHARCOT-MARIE-TOOTH DISEASE, AXONAL, AUTOSOMAL DOMINANT, TYPE 2U. Identifiers: Orphanet 397735, MedGen C4084821, MONDO:0014566, OMIM 616280.
Autosomal recessive spastic paraplegia type 70 (SPG70). Identifiers: Orphanet 401835, MedGen C4749431, MONDO:0018422, OMIM 620323.

Allele frequency attached by ClinVar (database versions not stated): gnomAD 0.00001; TOPMed 0.00002.
gnomAD v4.1: 20 of 1,614,018 alleles (0.0012%); highest among the groups gnomAD compares: East Asian, 0.0045%; no homozygotes.

Submissions (4):

GeneDx
Classification: Uncertain significance. Last evaluated: 2024-08-14. Review status: criteria provided, single submitter. Criteria: GeneDx Variant Classification Process June 2021. Collection method: clinical testing. Allele origin: germline. Affected: yes.
Comment: Observed as heterozygous variant in patient with neuropathy, ataxia, and dysarthria in published literature; however, additional clinical details and segregation information were not provided (PMID: 28708278); Observed with another variant in a patient with corticospinal motor neuron disease in published literature; however, additional it is unknown whether the two variants are on the same (in cis) or opposite (in trans) chromosomes (PMID: 24482476); Observed in individual with familial trigeminal neuralgia; however, variants in other genes were also identified (PMID: 36641423); In silico analysis supports that this missense variant has a deleterious effect on protein structure/function; This variant is associated with the following publications: (PMID: 36641423, 28708278, 24482476)

Ambry Genetics
Classification: Uncertain significance. Last evaluated: 2023-08-23. Review status: criteria provided, single submitter. Criteria: Ambry Variant Classification Scheme 2023. Collection method: clinical testing. Allele origin: germline.

Labcorp Genetics (formerly Invitae), Labcorp
Classification: Uncertain significance for Charcot-Marie-Tooth disease axonal type 2U; Severe early-onset pulmonary alveolar proteinosis due to MARS deficiency. Last evaluated: 2022-12-06. Review status: criteria provided, single submitter. Criteria: Invitae Variant Classification Sherloc (09022015). Collection method: clinical testing. Allele origin: germline.
Comment: This sequence change replaces arginine, which is basic and polar, with tryptophan, which is neutral and slightly polar, at codon 702 of the MARS protein (p.Arg702Trp). This variant is present in population databases (rs587777228, gnomAD 0.006%). This missense change has been observed in individual(s) with clinical features of hereditary spastic paraplegia or hereditary sensory neuropathy (PMID: 24482476, 28708278). ClinVar contains an entry for this variant (Variation ID: 120187). Algorithms developed to predict the effect of missense changes on protein structure and function are either unavailable or do not agree on the potential impact of this missense change (SIFT: "Deleterious"; PolyPhen-2: "Probably Damaging"; Align-GVGD: "Class C0"). In summary, the available evidence is currently insufficient to determine the role of this variant in disease. Therefore, it has been classified as a Variant of Uncertain Significance.

OMIM
Classification: Pathogenic for SPASTIC PARAPLEGIA 70, AUTOSOMAL RECESSIVE. Last evaluated: 2014-01-31. Review status: no assertion criteria provided. Collection method: literature only. Allele origin: germline. Not counted in ClinVar's aggregate classification.

Literature cited by the submitters: PubMed 24482476 (cited by 3 submitters); PubMed 28708278 (cited by Ambry Genetics and Labcorp Genetics (formerly Invitae), Labcorp).

NM_004990.4(MARS1):c.2104C>T (p.Arg702Trp)

Gene: MARS1 (methionyl-tRNA synthetase 1; plus strand). Cytogenetic location: 12q13.3.
Variant type: single nucleotide variant.
Coding change: c.2104C>T on transcript NM_004990.4 (MANE Select); coding-DNA position 2104, C replaced by T.
Protein change: p.Arg702Trp; replaces arginine 702 with tryptophan.
Molecular consequence: missense variant.
Genome position (GRCh38, 1-based): chr12:57,514,958, C>T. VCF-style: chr12-57514958-C-T. GRCh37 (hg19) VCF-style: chr12-57908741-C-T.
Other names: short protein forms R702W.
Identifiers: ClinVar variation 120187 (VCV000120187.14), dbSNP rs587777228, ClinGen allele CA230636.